The following is an entry in ClinVar:

NM_002439.5(MSH3):c.1454-5T>G

Gene: MSH3 (mutS homolog 3; plus strand). Cytogenetic location: 5q14.1.
Variant type: single nucleotide variant.
Coding change: c.1454-5T>G on transcript NM_002439.5 (MANE Select); 5 bases into the intron before coding-DNA position 1454, T replaced by G.
Molecular consequence: intron variant.
Genome position (GRCh38, 1-based): chr5:80,728,846, T>G. VCF-style: chr5-80728846-T-G. GRCh37 (hg19) VCF-style: chr5-80024665-T-G.
Identifiers: ClinVar variation 1692657 (VCV001692657.8), dbSNP rs1180488758, ClinGen allele CA814462377.

ClinVar aggregate classification (germline): Conflicting classifications of pathogenicity. Review status: criteria provided, conflicting classifications (1 of 4 stars). 3 submissions from 3 submitters: Uncertain significance (2); Likely benign (1). Last evaluated 2025-02-16.

Conditions:
Hereditary cancer-predisposing syndrome. Also called: Hereditary Cancer Syndrome; Hereditary neoplastic syndrome; Neoplastic Syndromes, Hereditary; Tumor predisposition. Identifiers: Orphanet 140162, MedGen C0027672, MeSH D009386, MONDO:0015356.

Submissions (3):

Labcorp Genetics (formerly Invitae), Labcorp
Classification: Likely benign. Last evaluated: 2025-02-16. Review status: criteria provided, single submitter. Criteria: Invitae Variant Classification Sherloc (09022015). Collection method: clinical testing. Allele origin: germline.

Ambry Genetics
Classification: Uncertain significance for Hereditary cancer-predisposing syndrome. Last evaluated: 2024-03-22. Review status: criteria provided, single submitter. Criteria: Ambry Variant Classification Scheme 2023. Collection method: clinical testing. Allele origin: germline.
Comment: The c.1454-5T>G intronic variant results from a T to G substitution 5 nucleotides upstream from coding exon 10 in the MSH3 gene. This nucleotide position is well conserved in available vertebrate species. In silico splice site analysis predicts that this alteration will not have any significant effect on splicing. Since supporting evidence is limited at this time, the clinical significance of this alteration remains unclear.

Sema4
Classification: Uncertain significance for Hereditary cancer-predisposing syndrome. Last evaluated: 2022-02-10. Review status: criteria provided, single submitter. Criteria: Sema4 Curation Guidelines. Collection method: curation. Allele origin: germline.
Comment: The MSH3 c.1454-5T>G variant has not been reported in the literature to our knowledge. This variant is not reported in the population database Genome Aggregation Database (PMID: 32461654). The variant has not been reported in ClinVar. In silico tools suggest this variant has no impact on splicing, though these predictions have not been confirmed by functional studies. The evidence is insufficient to meet ACMG/AMP criteria for classifying the variant as benign or pathogenic. Thus, the clinical significance of this variant is currently uncertain.